The following is an entry in ClinVar:

NM_001008216.2(GALE):c.194T>C (p.Met65Thr)

Gene: GALE (UDP-galactose-4-epimerase; minus strand). Cytogenetic location: 1p36.11.
Variant type: single nucleotide variant.
Coding change: c.194T>C on transcript NM_001008216.2 (MANE Select); coding-DNA position 194, T replaced by C.
Protein change: p.Met65Thr; replaces methionine 65 with threonine.
Molecular consequence: missense variant.
Genome position (GRCh38, 1-based): chr1:23,798,658, A>G on the plus strand (T>C on the coding strand, the complement: GALE is on the minus strand). VCF-style: chr1-23798658-A-G. GRCh37 (hg19) VCF-style: chr1-24125148-A-G.
Other names: c.194T>C, p.Met65Thr (NM_000403.4, NM_001127621.2); short protein forms M65T.
Identifiers: ClinVar variation 1511725 (VCV001511725.6), dbSNP rs781426540, ClinGen allele CA685757.

ClinVar aggregate classification (germline): Uncertain significance (1 of 4 stars; one submission).

Conditions:
UDPglucose-4-epimerase deficiency. Also called: GALACTOSEMIA III; GALE DEFICIENCY; Epimerase Deficiency Galactosemia; Galactose epimerase deficiency; UDPglucose 4-Epimerase Deficiency Disease; UDP-GALACTOSE-4-EPIMERASE DEFICIENCY. Identifiers: Orphanet 352, Orphanet 79238, MedGen C0751161, MONDO:0009257, OMIM 230350.

Allele frequency attached by ClinVar (database versions not stated): gnomAD exomes below 0.00001; ExAC 0.00001; gnomAD 0.00001.

Submission:

Labcorp Genetics (formerly Invitae), Labcorp
Classification: Uncertain significance for UDPglucose-4-epimerase deficiency. Last evaluated: 2025-09-15. Review status: criteria provided, single submitter. Criteria: Invitae Variant Classification Sherloc (09022015). Collection method: clinical testing. Allele origin: germline.
Comment: This sequence change replaces methionine, which is neutral and non-polar, with threonine, which is neutral and polar, at codon 65 of the GALE protein (p.Met65Thr). This variant is present in population databases (rs781426540, gnomAD 0.004%). This variant has not been reported in the literature in individuals affected with GALE-related conditions. ClinVar contains an entry for this variant (Variation ID: 1511725). Invitae Evidence Modeling of protein sequence and biophysical properties (such as structural, functional, and spatial information, amino acid conservation, physicochemical variation, residue mobility, and thermodynamic stability) indicates that this missense variant is not expected to disrupt GALE protein function with a negative predictive value of 80%. In summary, the available evidence is currently insufficient to determine the role of this variant in disease. Therefore, it has been classified as a Variant of Uncertain Significance.